The following is an entry in ClinVar:

NM_001164508.2(NEB):c.20467-5_20467-4dup

Gene: NEB (nebulin; minus strand). Cytogenetic location: 2q23.3.
Variant type: Duplication.
Coding change: c.20467-5_20467-4dup on transcript NM_001164508.2 (MANE Select); 5 bases into the intron before coding-DNA position 20467 through 4 bases into the intron before coding-DNA position 20467, 2 bases duplicated (TT; older notation c.20467-5_20467-4dupTT).
Molecular consequence: intron variant.
Genome position (GRCh38, 1-based): chr2:151,546,002-151,546,003, AA duplicated on the plus strand (TT on the coding strand, the reverse complement: NEB is on the minus strand); duplicating any 2 consecutive bases within chr2:151,546,002-151,546,018 gives the same sequence; the c. name uses the placement nearest the transcript's 3' end. VCF-style (leftmost placement, unchanged base first): chr2-151546001-T-TAA. GRCh37 (hg19) VCF-style: chr2-152402515-T-TAA.
Other names: p.?; c.15364-5_15364-4dup (NM_004543.5); c.20467-5_20467-4dup (NM_001164507.2, NM_001271208.2).
Identifiers: ClinVar variation 331432 (VCV000331432.8), dbSNP rs10687343, ClinGen allele CA249022.

ClinVar aggregate classification (germline): Benign/Likely benign. Review status: criteria provided, multiple submitters, no conflicts (2 of 4 stars). 5 submissions from 4 submitters: Benign (3); Likely benign (1). 1 of the submissions does not count toward it. Last evaluated 2025-02-16.

Submissions (5):

Laboratory of Genetics, Children's Clinical University Hospital Latvia
Classification: Benign. Last evaluated: 2025-02-16. Review status: criteria provided, single submitter. Criteria: ACMG Guidelines, 2015. Collection method: clinical testing. Allele origin: germline. Affected: yes.

Blueprint Genetics
Classification: Likely benign. Last evaluated: 2024-11-26. Review status: criteria provided, single submitter. Criteria: ACMG Guidelines, 2015. Collection method: clinical testing. Allele origin: germline.

Mayo Clinic Laboratories, Mayo Clinic
Classification: Benign. Last evaluated: 2022-11-29. Review status: criteria provided, single submitter. Criteria: ACMG Guidelines, 2015. Collection method: clinical testing. Allele origin: germline. Observed: 320 variant alleles.

Genomic Diagnostic Laboratory, Division of Genomic Diagnostics, Children's Hospital of Philadelphia
Classification: Benign. Last evaluated: 2015-07-10. Review status: criteria provided, single submitter. Criteria: DGD Variant Analysis Guidelines. Collection method: clinical testing. Allele origin: unknown.

Genomic Diagnostic Laboratory, Division of Genomic Diagnostics, Children's Hospital of Philadelphia
Classification: Likely benign. Last evaluated: 2015-06-16. Review status: flagged submission. Criteria: DGD Variant Analysis Guidelines. Collection method: clinical testing. Allele origin: unknown. Not counted in ClinVar's aggregate classification.
ClinVar note: Reason: This record appears to be redundant with a more recent record from the same submitter.
ClinVar note: Notes: SCV000257872 appears to be redundant with SCV000257874.